The following is an entry in ClinVar:

ClinVar aggregate classification (germline): Likely benign. Review status: criteria provided, single submitter (1 of 4 stars). 2 submissions from 2 submitters: Likely benign (1). 1 of the submissions does not count toward it. Last evaluated 2026-01-21.

Conditions:
TRIM32-related disorder. Also called: TRIM32-related condition.
Bardet-Biedl syndrome (BBS). Identifiers: Orphanet 110, MedGen C0752166, MONDO:0015229.

Allele frequency attached by ClinVar (database versions not stated): gnomAD exomes below 0.00001 and 0.00001; ExAC 0.00001; TOPMed 0.00001; gnomAD 0.00002; ESP Exome Variant Server 0.00008.
gnomAD v4.1: 12 of 1,614,072 alleles (0.00074%); highest among the groups gnomAD compares: African/African-American, 0.0013%; no homozygotes.

Submissions (2):

Labcorp Genetics (formerly Invitae), Labcorp
Classification: Likely benign for Bardet-Biedl syndrome. Last evaluated: 2026-01-21. Review status: criteria provided, single submitter. Criteria: Invitae Variant Classification Sherloc (09022015). Collection method: clinical testing. Allele origin: germline.

PreventionGenetics, part of Exact Sciences
Classification: Likely benign for TRIM32-related condition. Last evaluated: 2024-02-08. Review status: no assertion criteria provided. Collection method: clinical testing. Allele origin: germline. Not counted in ClinVar's aggregate classification.
Comment: This variant is classified as likely benign based on ACMG/AMP sequence variant interpretation guidelines (Richards et al. 2015 PMID: 25741868, with internal and published modifications).

NM_012210.4(TRIM32):c.1842G>A (p.Glu614=)

Genes: ASTN2 (astrotactin 2; minus strand), TRIM32 (tripartite motif containing 32; plus strand). Cytogenetic location: 9q33.1.
Variant type: single nucleotide variant.
Coding change: c.1842G>A on transcript NM_012210.4 (MANE Select); coding-DNA position 1842, G replaced by A.
Protein change: p.Glu614=; no amino-acid change (glutamic acid 614 retained).
Molecular consequence: synonymous variant. On other transcripts: intron variant (3).
Genome position (GRCh38, 1-based): chr9:116,699,584, G>A. VCF-style: chr9-116699584-G-A. GRCh37 (hg19) VCF-style: chr9-119461863-G-A.
Other names: c.1842G>A, p.Glu614= (NM_001099679.2, NM_001379048.1, NM_001379049.1 and 1 more transcripts); c.2653+26187C>T (NM_014010.5); c.2794+26187C>T (NM_001365069.1); c.2806+26187C>T (NM_001365068.1).
Identifiers: ClinVar variation 1082121 (VCV001082121.10), dbSNP rs149509191, ClinGen allele CA5211217.